The following is an entry in ClinVar:

NM_004285.4(H6PD):c.1681G>C (p.Glu561Gln)

Gene: H6PD (hexose-6-phosphate dehydrogenase/glucose 1-dehydrogenase; plus strand). Cytogenetic location: 1p36.22.
Variant type: single nucleotide variant.
Coding change: c.1681G>C on transcript NM_004285.4 (MANE Select); coding-DNA position 1681, G replaced by C.
Protein change: p.Glu561Gln; replaces glutamic acid 561 with glutamine.
Molecular consequence: missense variant.
Genome position (GRCh38, 1-based): chr1:9,264,174, G>C. VCF-style: chr1-9264174-G-C. GRCh37 (hg19) VCF-style: chr1-9324233-G-C.
Other names: c.1714G>C, p.Glu572Gln (NM_001282587.2); short protein forms E561Q, E572Q.
Identifiers: ClinVar variation 3773925 (VCV003773925.1).

ClinVar aggregate classification (germline): Uncertain significance (1 of 4 stars; one submission).

gnomAD v4.1: 1 of 1,612,254 alleles (0.000062%); highest among the groups gnomAD compares: Non-Finnish European, 0.000085%; no homozygotes.

Submission:

GeneDx
Classification: Uncertain significance. Last evaluated: 2024-09-18. Review status: criteria provided, single submitter. Criteria: GeneDx Variant Classification Process June 2021. Collection method: clinical testing. Allele origin: germline. Affected: yes.
Comment: Not observed at significant frequency in large population cohorts (gnomAD); In silico analysis indicates that this missense variant does not alter protein structure/function; Has not been previously published as pathogenic or benign to our knowledge